The following is an entry in ClinVar:

NM_006258.4(PRKG1):c.1094C>A (p.Ala365Asp)

Gene: PRKG1 (protein kinase cGMP-dependent 1; plus strand). Cytogenetic location: 10q21.1.
Variant type: single nucleotide variant.
Coding change: c.1094C>A on transcript NM_006258.4 (MANE Select); coding-DNA position 1094, C replaced by A.
Protein change: p.Ala365Asp; replaces alanine 365 with aspartic acid.
Molecular consequence: missense variant. On other transcripts: 5 prime UTR variant (1).
Genome position (GRCh38, 1-based): chr10:52,251,587, C>A. VCF-style: chr10-52251587-C-A. GRCh37 (hg19) VCF-style: chr10-54011347-C-A.
Other names: c.1049C>A, p.Ala350Asp (NM_001098512.3); c.-116C>A (NM_001374781.1); short protein forms A365D, A350D.
Identifiers: ClinVar variation 2044798 (VCV002044798.2), dbSNP rs1483976150, ClinGen allele CA376534650.

ClinVar aggregate classification (germline): Uncertain significance (1 of 4 stars; one submission).

Conditions:
Aortic aneurysm, familial thoracic 8 (AAT8). Identifiers: MedGen C3809513, MONDO:0014187, OMIM 615436.

Allele frequency attached by ClinVar (database versions not stated): TOPMed below 0.00001.
gnomAD v4.1: 4 of 1,613,560 alleles (0.00025%); highest among the groups gnomAD compares: Non-Finnish European, 0.00034%; no homozygotes.

Submission:

Labcorp Genetics (formerly Invitae), Labcorp
Classification: Uncertain significance for Aortic aneurysm, familial thoracic 8. Last evaluated: 2022-06-26. Review status: criteria provided, single submitter. Criteria: Invitae Variant Classification Sherloc (09022015). Collection method: clinical testing. Allele origin: germline.
Comment: In summary, the available evidence is currently insufficient to determine the role of this variant in disease. Therefore, it has been classified as a Variant of Uncertain Significance. Algorithms developed to predict the effect of missense changes on protein structure and function (SIFT, PolyPhen-2, Align-GVGD) all suggest that this variant is likely to be tolerated. This variant has not been reported in the literature in individuals affected with PRKG1-related conditions. This variant is not present in population databases (gnomAD no frequency). This sequence change replaces alanine, which is neutral and non-polar, with aspartic acid, which is acidic and polar, at codon 365 of the PRKG1 protein (p.Ala365Asp).